The following is an entry in ClinVar:

NM_006164.5(NFE2L2):c.12G>C (p.Leu4Phe)

Genes: NFE2L2 (NFE2 like bZIP transcription factor 2; minus strand), LOC129935169 (ATAC-STARR-seq lymphoblastoid silent region 12145; plus strand). Cytogenetic location: 2q31.2.
Variant type: single nucleotide variant.
Coding change: c.12G>C on transcript NM_006164.5 (MANE Select); coding-DNA position 12, G replaced by C.
Protein change: p.Leu4Phe; replaces leucine 4 with phenylalanine.
Molecular consequence: missense variant.
Genome position (GRCh38, 1-based): chr2:177,264,565, C>G on the plus strand (G>C on the coding strand, the complement: NFE2L2 is on the minus strand). VCF-style: chr2-177264565-C-G. GRCh37 (hg19) VCF-style: chr2-178129293-C-G.
Other names: c.12G>C, p.Leu4Phe (NM_001313902.2, NM_001313903.2); short protein forms L4F.
Identifiers: ClinVar variation 1381484 (VCV001381484.6), dbSNP rs1308981355, ClinGen allele CA349389815.
Genomic context (GRCh38, chr2:177,264,565, plus strand): 5'-GCAGGGCCCAGAGGGCCGAGGCAGCACCTGCTGGGACGGGAGTCCCGGCGGCGGCAGCTC[C>G]AAGTCCATCATGATGAGCTGTGGACCGTGTGTTGGGGCTCCCCGACGGCGGCCCTGTTCC-3'
Protein context (NP_006155.2, residues 1-14): MMD[Leu4Phe]ELPPPGLPSQ

ClinVar aggregate classification (germline): Uncertain significance (1 of 4 stars; one submission).

Allele frequency attached by ClinVar (database versions not stated): TOPMed below 0.00001.

Submission:

Labcorp Genetics (formerly Invitae), Labcorp
Classification: Uncertain significance. Last evaluated: 2021-09-15. Review status: criteria provided, single submitter. Criteria: Invitae Variant Classification Sherloc (09022015). Collection method: clinical testing. Allele origin: germline.
Comment: In summary, the available evidence is currently insufficient to determine the role of this variant in disease. Therefore, it has been classified as a Variant of Uncertain Significance. Algorithms developed to predict the effect of missense changes on protein structure and function (SIFT, PolyPhen-2, Align-GVGD) all suggest that this variant is likely to be tolerated. This variant has not been reported in the literature in individuals affected with NFE2L2-related conditions. The frequency data for this variant in the population databases is considered unreliable, as metrics indicate insufficient coverage at this position in the ExAC database. This sequence change replaces leucine with phenylalanine at codon 4 of the NFE2L2 protein (p.Leu4Phe). The leucine residue is weakly conserved and there is a small physicochemical difference between leucine and phenylalanine.